The following is an entry in ClinVar:

ClinVar aggregate classification (germline): Uncertain significance (1 of 4 stars; one submission).

Conditions:
Hereditary cancer-predisposing syndrome. Also called: Neoplastic Syndromes, Hereditary; Tumor predisposition; Hereditary Cancer Syndrome; Hereditary neoplastic syndrome. Identifiers: Orphanet 140162, MedGen C0027672, MeSH D009386, MONDO:0015356.

Submission:

Ambry Genetics
Classification: Uncertain significance for Hereditary cancer-predisposing syndrome. Last evaluated: 2022-05-01. Review status: criteria provided, single submitter. Criteria: Ambry Variant Classification Scheme 2023. Collection method: clinical testing. Allele origin: germline.
Comment: The p.L118I variant (also known as c.352C>A), located in coding exon 5 of the RAD51D gene, results from a C to A substitution at nucleotide position 352. The leucine at codon 118 is replaced by isoleucine, an amino acid with highly similar properties. This amino acid position is conserved. In addition, the in silico prediction for this alteration is inconclusive. Since supporting evidence is limited at this time, the clinical significance of this alteration remains unclear.

NM_002878.4(RAD51D):c.352C>A (p.Leu118Ile)

Genes: RAD51L3-RFFL (RAD51L3-RFFL readthrough; minus strand), RAD51D (RAD51 paralog D; minus strand). Cytogenetic location: 17q12.
Variant type: single nucleotide variant.
Coding change: c.352C>A on transcript NM_002878.4 (MANE Select); coding-DNA position 352, C replaced by A.
Protein change: p.Leu118Ile; replaces leucine 118 with isoleucine.
Molecular consequence: missense variant. On other transcripts: non-coding transcript variant (1), intron variant (1).
Genome position (GRCh38, 1-based): chr17:35,107,116, G>T on the plus strand (C>A on the coding strand, the complement: RAD51D is on the minus strand). VCF-style: chr17-35107116-G-T. GRCh37 (hg19) VCF-style: chr17-33434135-G-T.
Other names: c.412C>A, p.Leu138Ile (NM_001142571.2); c.145-635C>A (NM_133629.3); short protein forms L118I, L138I.
Identifiers: ClinVar variation 1732342 (VCV001732342.2), dbSNP rs1597862842, ClinGen allele CA399089398.
Genomic context (GRCh38, chr17:35,107,116, plus strand): 5'-TGGAATCTACATATAGGACGTTTTGCTGCAGGCCATGGGCCACATTTGCTGCCATACAGA[G>T]ACATACCTGGGGGTGGGGGCATTGGATGAACTTGACACTTCAGAGAGGGTCCAGATGGGA-3'
Protein context (NP_002869.3, residues 108-128): GPGSGKTQVC[Leu118Ile]CMAANVAHGL